The following is an entry in ClinVar:

NM_020971.3(SPTBN4):c.225C>T (p.Leu75=)

Gene: SPTBN4 (spectrin beta, non-erythrocytic 4; plus strand). Cytogenetic location: 19q13.2.
Variant type: single nucleotide variant.
Coding change: c.225C>T on transcript NM_020971.3 (MANE Select); coding-DNA position 225, C replaced by T.
Protein change: p.Leu75=; no amino-acid change (leucine 75 retained).
Molecular consequence: synonymous variant.
Genome position (GRCh38, 1-based): chr19:40,487,752, C>T. VCF-style: chr19-40487752-C-T. GRCh37 (hg19) VCF-style: chr19-40993659-C-T.
Identifiers: ClinVar variation 3048475 (VCV003048475.2), dbSNP rs148022541, ClinGen allele CA9445289.
Genomic context (GRCh38, chr19:40,487,752, plus strand): 5'-TCCAGATGAGCGGGAAGCCGTGCAGAAGAAAACCTTCACCAAGTGGGTGAACTCGCACCT[C>T]GCCCGCGTGGGCTGCCACATCGGGGACCTCTATGTGGACCTCCGGGACGGCTTCGTGCTC-3'
Protein context (NP_066022.2, residues 65-85): KTFTKWVNSH[Leu75=]ARVGCHIGDL

ClinVar aggregate classification (germline): Likely benign (0 of 4 stars; one submission).

Conditions:
SPTBN4-related disorder. Also called: SPTBN4-related condition.

Allele frequency attached by ClinVar (database versions not stated): 1000 Genomes Project 30x 0.00062; ESP Exome Variant Server 0.00123; TOPMed 0.00123; gnomAD exomes 0.00010; 1000 Genomes Project 0.00060; gnomAD 0.00096; ExAC 0.00028.
gnomAD v4.1: 286 of 1,613,692 alleles (0.018%); highest among the groups gnomAD compares: African/African-American, 0.36%; no homozygotes.

Submission:

PreventionGenetics, part of Exact Sciences
Classification: Likely benign for SPTBN4-related condition. Last evaluated: 2019-11-16. Review status: no assertion criteria provided. Collection method: clinical testing. Allele origin: germline.
Comment: This variant is classified as likely benign based on ACMG/AMP sequence variant interpretation guidelines (Richards et al. 2015 PMID: 25741868, with internal and published modifications).